The following is an entry in ClinVar:

NM_000489.6(ATRX):c.1804G>A (p.Gly602Ser)

Gene: ATRX (ATRX chromatin remodeler; minus strand). Cytogenetic location: Xq21.1.
Variant type: single nucleotide variant.
Coding change: c.1804G>A on transcript NM_000489.6 (MANE Select); coding-DNA position 1804, G replaced by A.
Protein change: p.Gly602Ser; replaces glycine 602 with serine.
Molecular consequence: missense variant.
Genome position (GRCh38, 1-based): chrX:77,683,452, C>T on the plus strand (G>A on the coding strand, the complement: ATRX is on the minus strand). VCF-style: chrX-77683452-C-T. GRCh37 (hg19) VCF-style: chrX-76938944-C-T.
Other names: c.1690G>A, p.Gly564Ser (NM_138270.5); c.1804G>A (NM_000489.3); short protein forms G602S, G564S.
Identifiers: ClinVar variation 287228 (VCV000287228.13), dbSNP rs886044864, ClinGen allele CA10605704.

ClinVar aggregate classification (germline): Uncertain significance. Review status: criteria provided, multiple submitters, no conflicts (2 of 4 stars). 3 submissions from 3 submitters: Uncertain significance (3). Last evaluated 2025-06-08.

Conditions:
Inborn genetic diseases. Identifiers: MedGen C0950123, MeSH D030342.
Alpha thalassemia-X-linked intellectual disability syndrome (ATRX). Also called: ALPHA-THALASSEMIA/IMPAIRED INTELLECTUAL DEVELOPMENT SYNDROME, X-LINKED; ATR, NONDELETION TYPE; ALPHA-THALASSEMIA/MENTAL RETARDATION SYNDROME, X-LINKED; ATR-X syndrome; Alpha thalassemia mental retardation syndrome, nondeletion type, X-linked; XLMR hypotonic face syndrome. Identifiers: Orphanet 847, MedGen C1845055, MONDO:0010519, OMIM 301040.

Allele frequency attached by ClinVar (database versions not stated): gnomAD 0.00003 and 0.00004; gnomAD exomes below 0.00001; TOPMed 0.00002.
gnomAD v4.1: 7 of 1,208,661 alleles (0.00058%); highest among the groups gnomAD compares: African/African-American, 0.0052%; no homozygotes.

Submissions (3):

Labcorp Genetics (formerly Invitae), Labcorp
Classification: Uncertain significance for Alpha thalassemia-X-linked intellectual disability syndrome. Last evaluated: 2025-06-08. Review status: criteria provided, single submitter. Criteria: Invitae Variant Classification Sherloc (09022015). Collection method: clinical testing. Allele origin: germline.
Comment: This sequence change replaces glycine, which is neutral and non-polar, with serine, which is neutral and polar, at codon 602 of the ATRX protein (p.Gly602Ser). This variant is not present in population databases (gnomAD no frequency). This variant has not been reported in the literature in individuals affected with ATRX-related conditions. ClinVar contains an entry for this variant (Variation ID: 287228). Invitae Evidence Modeling of protein sequence and biophysical properties (such as structural, functional, and spatial information, amino acid conservation, physicochemical variation, residue mobility, and thermodynamic stability) indicates that this missense variant is not expected to disrupt ATRX protein function with a negative predictive value of 95%. In summary, the available evidence is currently insufficient to determine the role of this variant in disease. Therefore, it has been classified as a Variant of Uncertain Significance.

Ambry Genetics
Classification: Uncertain significance for Inborn genetic diseases. Last evaluated: 2025-02-26. Review status: criteria provided, single submitter. Criteria: Ambry Variant Classification Scheme 2023. Collection method: clinical testing. Allele origin: germline.

Eurofins Ntd Llc (ga)
Classification: Uncertain significance. Last evaluated: 2016-03-28. Review status: criteria provided, single submitter. Criteria: EGL Classification Definitions 2015. Collection method: clinical testing. Allele origin: germline. Observed: 1 variant allele, 1 hemizygote.